The following is an entry in ClinVar:

ClinVar aggregate classification (germline): Uncertain significance (1 of 4 stars; one submission).

Conditions:
CHARGE syndrome (CHARGE). Also called: Hittner Hirsch Kreh syndrome; CHARGE ASSOCIATION--COLOBOMA, HEART ANOMALY, CHOANAL ATRESIA, RETARDATION, GENITAL AND EAR ANOMALIES; Coloboma, heart anomaly, choanal atresia, retardation, genital and ear anomalies; CHARGE association; Hall-Hittner syndrome. Identifiers: Orphanet 138, MedGen C0265354, MONDO:0008965.

Submission:

Labcorp Genetics (formerly Invitae), Labcorp
Classification: Uncertain significance for CHARGE syndrome. Last evaluated: 2023-03-08. Review status: criteria provided, single submitter. Criteria: Invitae Variant Classification Sherloc (09022015). Collection method: clinical testing. Allele origin: germline.
Comment: In summary, the available evidence is currently insufficient to determine the role of this variant in disease. Therefore, it has been classified as a Variant of Uncertain Significance. Advanced modeling of protein sequence and biophysical properties (such as structural, functional, and spatial information, amino acid conservation, physicochemical variation, residue mobility, and thermodynamic stability) performed at Invitae indicates that this missense variant is expected to disrupt CHD7 protein function. This variant has not been reported in the literature in individuals affected with CHD7-related conditions. This variant is not present in population databases (gnomAD no frequency). This sequence change replaces isoleucine, which is neutral and non-polar, with leucine, which is neutral and non-polar, at codon 1001 of the CHD7 protein (p.Ile1001Leu).

NM_017780.4(CHD7):c.3001A>C (p.Ile1001Leu)

Gene: CHD7 (chromodomain helicase DNA binding protein 7; plus strand). Cytogenetic location: 8q12.2.
Variant type: single nucleotide variant.
Coding change: c.3001A>C on transcript NM_017780.4 (MANE Select); coding-DNA position 3001, A replaced by C.
Protein change: p.Ile1001Leu; replaces isoleucine 1001 with leucine.
Molecular consequence: missense variant. On other transcripts: intron variant (1).
Genome position (GRCh38, 1-based): chr8:60,822,546, A>C. VCF-style: chr8-60822546-A-C. GRCh37 (hg19) VCF-style: chr8-61735105-A-C.
Other names: c.1717-39683A>C (NM_001316690.1); short protein forms I1001L.
Identifiers: ClinVar variation 2841575 (VCV002841575.3), dbSNP rs375374626, ClinGen allele CA371309167.